The following is an entry in ClinVar:

ClinVar aggregate classification (germline): Pathogenic (1 of 4 stars; one submission).

Conditions:
Werner syndrome (WRN). Identifiers: Orphanet 902, MedGen C0043119, MONDO:0010196, OMIM 277700.

Submission:

Labcorp Genetics (formerly Invitae), Labcorp
Classification: Pathogenic for Werner syndrome. Last evaluated: 2022-12-26. Review status: criteria provided, single submitter. Criteria: Invitae Variant Classification Sherloc (09022015). Collection method: clinical testing. Allele origin: germline.
Comment: This sequence change creates a premature translational stop signal (p.Asp566*) in the WRN gene. It is expected to result in an absent or disrupted protein product. Loss-of-function variants in WRN are known to be pathogenic (PMID: 16673358). This variant is not present in population databases (gnomAD no frequency). This variant has not been reported in the literature in individuals affected with WRN-related conditions. Algorithms developed to predict the effect of sequence changes on RNA splicing suggest that this variant may disrupt the consensus splice site. For these reasons, this variant has been classified as Pathogenic.

Literature cited by the submitters: PubMed 16673358.

NM_000553.6(WRN):c.1692_1693del (p.Arg565_Asp566insTer)

Gene: WRN (WRN RecQ like helicase; plus strand). Cytogenetic location: 8p12.
Variant type: Deletion.
Coding change: c.1692_1693del on transcript NM_000553.6 (MANE Select); coding-DNA positions 1692 to 1693, 2 bases deleted (AA; older notation c.1692_1693delAA).
Protein change: p.Arg565_Asp566insTer.
Molecular consequence: frameshift variant.
Genome position (GRCh38, 1-based): chr8:31,090,504-31,090,505, AA deleted. VCF-style (leftmost placement, unchanged base first): chr8-31090503-GAA-G. GRCh37 (hg19) VCF-style: chr8-30948019-GAA-G.
Identifiers: ClinVar variation 2824221 (VCV002824221.3), dbSNP rs2535930349, ClinGen allele CA2739280004.